The following is an entry in ClinVar:

ClinVar aggregate classification (germline): Conflicting classifications of pathogenicity. Review status: criteria provided, conflicting classifications (1 of 4 stars). 3 submissions from 3 submitters: Uncertain significance (1); Likely benign (2). Last evaluated 2024-11-05.

Conditions:
Long QT syndrome (LQTS). Identifiers: MedGen C0023976, MeSH D008133, MONDO:0002442. Disease mechanism: loss of function. Inheritance: Various modes of inheritance.
Cardiovascular phenotype. Identifiers: MedGen CN230736.

Allele frequency attached by ClinVar (database versions not stated): gnomAD 0.00007 and 0.00003; gnomAD exomes 0.00011 and 0.00014; ExAC 0.00020; ESP Exome Variant Server 0.00008; 1000 Genomes Project 30x 0.00016; 1000 Genomes Project 0.00020; TOPMed 0.00007.
gnomAD v4.1: 164 of 1,614,120 alleles (0.01%); highest among the groups gnomAD compares: South Asian, 0.08%; 3 homozygotes.

Submissions (3):

Labcorp Genetics (formerly Invitae), Labcorp
Classification: Uncertain significance for Long QT syndrome. Last evaluated: 2024-11-05. Review status: criteria provided, single submitter. Criteria: Invitae Variant Classification Sherloc (09022015). Collection method: clinical testing. Allele origin: germline.
Comment: This sequence change replaces proline, which is neutral and non-polar, with leucine, which is neutral and non-polar, at codon 2851 of the ANK2 protein (p.Pro2851Leu). This variant is present in population databases (rs368569512, gnomAD 0.07%), and has an allele count higher than expected for a pathogenic variant. This variant has not been reported in the literature in individuals affected with ANK2-related conditions. ClinVar contains an entry for this variant (Variation ID: 406490). An algorithm developed to predict the effect of missense changes on protein structure and function (PolyPhen-2) suggests that this variant is likely to be tolerated. In summary, the available evidence is currently insufficient to determine the role of this variant in disease. Therefore, it has been classified as a Variant of Uncertain Significance.

Ambry Genetics
Classification: Likely benign for Cardiovascular phenotype. Last evaluated: 2019-01-25. Review status: criteria provided, single submitter. Criteria: Ambry Variant Classification Scheme 2023. Collection method: clinical testing. Allele origin: germline.

GeneDx
Classification: Likely benign. Last evaluated: 2017-02-08. Review status: criteria provided, single submitter. Criteria: GeneDx Variant Classification (06012015). Collection method: clinical testing. Allele origin: germline. Affected: yes.
Comment: This variant is considered likely benign or benign based on one or more of the following criteria: it is a conservative change, it occurs at a poorly conserved position in the protein, it is predicted to be benign by multiple in silico algorithms, and/or has population frequency not consistent with disease.

NM_001148.6(ANK2):c.8552C>T (p.Pro2851Leu)

Gene: ANK2 (ankyrin 2; plus strand). Cytogenetic location: 4q26.
Variant type: single nucleotide variant.
Coding change: c.8552C>T on transcript NM_001148.6 (MANE Select); coding-DNA position 8552, C replaced by T.
Protein change: p.Pro2851Leu; replaces proline 2851 with leucine.
Molecular consequence: missense variant. On other transcripts: intron variant (68).
Genome position (GRCh38, 1-based): chr4:113,357,170, C>T. VCF-style: chr4-113357170-C-T. GRCh37 (hg19) VCF-style: chr4-114278326-C-T.
Other names: c.8318C>T, p.Pro2773Leu (NM_001386142.1); c.4952C>T, p.Pro1651Leu (NM_001386166.1); c.8693C>T, p.Pro2898Leu (NM_001386174.1); c.8669C>T, p.Pro2890Leu (NM_001386175.1); c.4412-3653C>T (NM_001386186.2, NM_001386148.2); c.4214-3653C>T (NM_001354269.3); c.4292-3653C>T (NM_001386187.2); c.4253-3653C>T (NM_001386147.1); and 35 more; short protein forms P2851L, P1651L, P2773L, P2890L, P2898L.
Identifiers: ClinVar variation 406490 (VCV000406490.10), dbSNP rs368569512, ClinGen allele CA3051787.